The following is an entry in ClinVar:

NM_001256012.3(MYH10):c.2554C>T (p.Arg852Trp)

Genes: MYH10 (myosin heavy chain 10; minus strand), LOC126862486 (BRD4-independent group 4 enhancer GRCh37_chr17:8416542-8417741; plus strand). Cytogenetic location: 17p13.1.
Variant type: single nucleotide variant.
Coding change: c.2554C>T on transcript NM_001256012.3 (MANE Select); coding-DNA position 2554, C replaced by T.
Protein change: p.Arg852Trp; replaces arginine 852 with tryptophan.
Molecular consequence: missense variant.
Genome position (GRCh38, 1-based): chr17:8,513,845, G>A on the plus strand (C>T on the coding strand, the complement: MYH10 is on the minus strand). VCF-style: chr17-8513845-G-A. GRCh37 (hg19) VCF-style: chr17-8417163-G-A.
Other names: c.2491C>T, p.Arg831Trp (NM_001375266.1); c.2461C>T, p.Arg821Trp (NM_005964.5); c.2488C>T, p.Arg830Trp (NM_001256095.2); short protein forms R821W, R830W, R831W, R852W.
Identifiers: ClinVar variation 5016712 (VCV005016712.1).
Genomic context (GRCh38, chr17:8,513,845, plus strand): 5'-CCTTTGTGAAGACTCGCCACCACTGCCAGTGCCGTAATTTCAGGTACGCGGCACAGTTCC[G>A]CTGCAAGACCTTTAAGGCACTTAGTTGCTGCTGCTTCTTGGCAAAGGCCCTGAAGAACAA-3'
Protein context (NP_001242941.1, residues 842-862): QQLSALKVLQ[Arg852Trp]NCAAYLKLRH

ClinVar aggregate classification (germline): Pathogenic (1 of 4 stars; one submission).

Submission:

GeneDx
Classification: Pathogenic. Last evaluated: 2026-03-31. Review status: criteria provided, single submitter. Criteria: GeneDx Variant Classification Process June 2021. Collection method: clinical testing. Allele origin: germline.
Comment: Not observed at significant frequency in large population cohorts (gnomAD); In silico analysis supports that this missense variant has a deleterious effect on protein structure/function; This variant is associated with the following publications: (PMID: 35980381)